The following is an entry in ClinVar:

NM_000016.6(ACADM):c.599+2T>G

Gene: ACADM (acyl-CoA dehydrogenase medium chain; plus strand). Cytogenetic location: 1p31.1.
Variant type: single nucleotide variant.
Coding change: c.599+2T>G on transcript NM_000016.6 (MANE Select); the canonical splice donor site of the intron after coding-DNA position 599, T replaced by G.
Molecular consequence: splice donor variant.
Genome position (GRCh38, 1-based): chr1:75,740,112, T>G. VCF-style: chr1-75740112-T-G. GRCh37 (hg19) VCF-style: chr1-76205797-T-G.
Other names: c.611+2T>G (NM_001127328.3); c.698+2T>G (NM_001286043.2); c.491+2T>G (NM_001286042.2); c.32+2T>G (NM_001286044.2).
Identifiers: ClinVar variation 4815303 (VCV004815303.1).

ClinVar aggregate classification (germline): Pathogenic (1 of 4 stars; one submission).

Conditions:
Medium-chain acyl-coenzyme A dehydrogenase deficiency (ACADMD). Also called: MCAD Deficiency; CARNITINE DEFICIENCY SECONDARY TO MEDIUM-CHAIN ACYL-CoA DEHYDROGENASE DEFICIENCY; MCADH DEFICIENCY; ACADM DEFICIENCY; MCADD; Medium chain acyl-CoA dehydrogenase deficiency. Identifiers: Orphanet 42, MedGen C0220710, MONDO:0008721, OMIM 201450.

Submission:

Natera, Inc.
Classification: Pathogenic for Medium Chain Acyl-CoA Dehydrogenase Deficiency. Last evaluated: 2024-04-19. Review status: criteria provided, single submitter. Criteria: Natera Variant Classification Schema (03/2026). Collection method: clinical testing. Allele origin: germline.
Comment: The c.599+2T>G variant in ACADM is a canonical splice donor site variant predicted to affect pre-mRNA splicing, which may result in an abnormal transcript and altered protein product. This variant is expected to result in nonsense mediated decay, truncation, or a dysfunctional protein product. This variant is rare in the general population with a frequency below the threshold expected for the associated phenotype(s). Another variant at this same site results in an alteration predicted to cause a similar molecular effect has been observed in individual(s) with the associated phenotype. Given the available evidence, this variant is classified as Pathogenic.